The following is an entry in ClinVar:

ClinVar aggregate classification (germline): Benign. Review status: criteria provided, single submitter (1 of 4 stars). 2 submissions from 2 submitters: Benign (1). 1 of the submissions does not count toward it. Last evaluated 2025-12-08.

Conditions:
EP300-related disorder. Also called: EP300-related condition; EP300-related disorders.
Rubinstein-Taybi syndrome due to EP300 haploinsufficiency. Also called: RUBINSTEIN-TAYBI SYNDROME 2; EP300-Related Rubinstein-Taybi Syndrome. Identifiers: Orphanet 353284, Orphanet 783, MedGen C3150941, MONDO:0013364, OMIM 613684.

Allele frequency attached by ClinVar (database versions not stated): ExAC 0.00002; gnomAD exomes 0.00004; gnomAD 0.00005; ESP Exome Variant Server 0.00008; TOPMed 0.00008.
gnomAD v4.1: 60 of 1,613,862 alleles (0.0037%); highest among the groups gnomAD compares: African/African-American, 0.008%; no homozygotes.

Submissions (2):

Labcorp Genetics (formerly Invitae), Labcorp
Classification: Benign for Rubinstein-Taybi syndrome due to EP300 haploinsufficiency. Last evaluated: 2025-12-08. Review status: criteria provided, single submitter. Criteria: Invitae Variant Classification Sherloc (09022015). Collection method: clinical testing. Allele origin: germline.

PreventionGenetics, part of Exact Sciences
Classification: Likely benign for EP300-related condition. Last evaluated: 2024-03-06. Review status: no assertion criteria provided. Collection method: clinical testing. Allele origin: germline. Not counted in ClinVar's aggregate classification.
Comment: This variant is classified as likely benign based on ACMG/AMP sequence variant interpretation guidelines (Richards et al. 2015 PMID: 25741868, with internal and published modifications).

NM_001429.4(EP300):c.1785G>A (p.Pro595=)

Gene: EP300 (EP300 lysine acetyltransferase; plus strand). Cytogenetic location: 22q13.2.
Variant type: single nucleotide variant.
Coding change: c.1785G>A on transcript NM_001429.4 (MANE Select); coding-DNA position 1785, G replaced by A.
Protein change: p.Pro595=; no amino-acid change (proline 595 retained).
Molecular consequence: synonymous variant.
Genome position (GRCh38, 1-based): chr22:41,140,164, G>A. VCF-style: chr22-41140164-G-A. GRCh37 (hg19) VCF-style: chr22-41536168-G-A.
Other names: c.1785G>A (NM_001429.3); c.1785G>A, p.Pro595= (NM_001362843.2).
Identifiers: ClinVar variation 2718526 (VCV002718526.4), dbSNP rs374354690, ClinGen allele CA10252635.